The following is an entry in ClinVar:

NM_002471.4(MYH6):c.308T>G (p.Phe103Cys)

Genes: MYH6 (myosin heavy chain 6; minus strand), LOC114827851 (VISTA enhancer hs2155; plus strand). Cytogenetic location: 14q11.2.
Variant type: single nucleotide variant.
Coding change: c.308T>G on transcript NM_002471.4 (MANE Select); coding-DNA position 308, T replaced by G.
Protein change: p.Phe103Cys; replaces phenylalanine 103 with cysteine.
Molecular consequence: missense variant.
Genome position (GRCh38, 1-based): chr14:23,405,664, A>C on the plus strand (T>G on the coding strand, the complement: MYH6 is on the minus strand). VCF-style: chr14-23405664-A-C. GRCh37 (hg19) VCF-style: chr14-23874873-A-C.
Other names: short protein forms F103C.
Identifiers: ClinVar variation 2763906 (VCV002763906.3), dbSNP rs376330318, ClinGen allele CA257799164.

ClinVar aggregate classification (germline): Uncertain significance (1 of 4 stars; one submission).

Conditions:
Hypertrophic cardiomyopathy 14. Identifiers: MedGen C2750467, MONDO:0013197, OMIM 613251.

Allele frequency attached by ClinVar (database versions not stated): gnomAD exomes below 0.00001; ESP Exome Variant Server 0.00008.
gnomAD v4.1: 1 of 1,614,196 alleles (0.000062%); highest among the groups gnomAD compares: Non-Finnish European, 0.000085%; no homozygotes.

Submission:

Labcorp Genetics (formerly Invitae), Labcorp
Classification: Uncertain significance for Hypertrophic cardiomyopathy 14. Last evaluated: 2025-02-17. Review status: criteria provided, single submitter. Criteria: Invitae Variant Classification Sherloc (09022015). Collection method: clinical testing. Allele origin: germline.
Comment: This sequence change replaces phenylalanine, which is neutral and non-polar, with cysteine, which is neutral and slightly polar, at codon 103 of the MYH6 protein (p.Phe103Cys). This variant is not present in population databases (gnomAD no frequency). This variant has not been reported in the literature in individuals affected with MYH6-related conditions. ClinVar contains an entry for this variant (Variation ID: 2763906). Invitae Evidence Modeling of protein sequence and biophysical properties (such as structural, functional, and spatial information, amino acid conservation, physicochemical variation, residue mobility, and thermodynamic stability) has been performed for this missense variant. However, the output from this modeling did not meet the statistical confidence thresholds required to predict the impact of this variant on MYH6 protein function. In summary, the available evidence is currently insufficient to determine the role of this variant in disease. Therefore, it has been classified as a Variant of Uncertain Significance.